The following is an entry in ClinVar:

ClinVar aggregate classification (germline): Uncertain significance (1 of 4 stars; one submission).

Submission:

Labcorp Genetics (formerly Invitae), Labcorp
Classification: Uncertain significance. Last evaluated: 2023-02-14. Review status: criteria provided, single submitter. Criteria: Invitae Variant Classification Sherloc (09022015). Collection method: clinical testing. Allele origin: germline.
Comment: This variant has not been reported in the literature in individuals affected with BDNF-related conditions. This variant is not present in population databases (gnomAD no frequency). This sequence change affects codon 24 of the BDNF mRNA. It is a 'silent' change, meaning that it does not change the encoded amino acid sequence of the BDNF protein. In summary, the available evidence is currently insufficient to determine the role of this variant in disease. Therefore, it has been classified as a Variant of Uncertain Significance.

NM_001709.5(BDNF):c.72A>G (p.Ala24=)

Genes: BDNF (brain derived neurotrophic factor; minus strand), BDNF-AS (BDNF antisense RNA; plus strand). Cytogenetic location: 11p14.1.
Variant type: single nucleotide variant.
Coding change: c.72A>G on transcript NM_001709.5 (MANE Select); coding-DNA position 72, A replaced by G.
Protein change: p.Ala24=; no amino-acid change (alanine 24 retained).
Molecular consequence: synonymous variant.
Genome position (GRCh38, 1-based): chr11:27,658,493, T>C on the plus strand (A>G on the coding strand, the complement: BDNF is on the minus strand). VCF-style: chr11-27658493-T-C. GRCh37 (hg19) VCF-style: chr11-27680040-T-C.
Other names: c.72A>G, p.Ala24= (NM_001143805.1, NM_001143806.1, NM_001143807.2 and 9 more transcripts); c.159A>G, p.Ala53= (NM_001143809.2); c.318A>G, p.Ala106= (NM_001143810.2); c.96A>G, p.Ala32= (NM_170731.5); c.117A>G, p.Ala39= (NM_170734.4).
Identifiers: ClinVar variation 2837548 (VCV002837548.3), dbSNP rs2538965118, ClinGen allele CA473653014.
Genomic context (GRCh38, chr11:27,658,493, plus strand): 5'-CTCCAGAGTCCCATGGGTCCGCACACCTGGGTAGGCCAAGCCACCTTGTCCTCGGATGTT[T>C]GCTTCTTTCATGGGGGCAGCCTTCATGCAACCAAAGTATGAAATAACCATAGTAAGGAAA-3'
Protein context (NP_001700.2, residues 14-34): GCMKAAPMKE[Ala24=]NIRGQGGLAY